The following is an entry in ClinVar:

ClinVar aggregate classification (germline): Uncertain significance (1 of 4 stars; one submission).

Submission:

Labcorp Genetics (formerly Invitae), Labcorp
Classification: Uncertain significance. Last evaluated: 2026-01-12. Review status: criteria provided, single submitter. Criteria: Invitae Variant Classification Sherloc (09022015). Collection method: clinical testing. Allele origin: germline.
Comment: This sequence change replaces threonine, which is neutral and polar, with proline, which is neutral and non-polar, at codon 908 of the IMPG2 protein (p.Thr908Pro). This variant is not present in population databases (gnomAD no frequency). This variant has not been reported in the literature in individuals affected with IMPG2-related conditions. Invitae Evidence Modeling of protein sequence and biophysical properties (such as structural, functional, and spatial information, amino acid conservation, physicochemical variation, residue mobility, and thermodynamic stability) indicates that this missense variant is expected to disrupt IMPG2 protein function with a positive predictive value of 80%. In summary, the available evidence is currently insufficient to determine the role of this variant in disease. Therefore, it has been classified as a Variant of Uncertain Significance.

NM_016247.4(IMPG2):c.2722A>C (p.Thr908Pro)

Gene: IMPG2 (interphotoreceptor matrix proteoglycan 2; minus strand). Cytogenetic location: 3q12.3.
Variant type: single nucleotide variant.
Coding change: c.2722A>C on transcript NM_016247.4 (MANE Select); coding-DNA position 2722, A replaced by C.
Protein change: p.Thr908Pro; replaces threonine 908 with proline.
Molecular consequence: missense variant.
Genome position (GRCh38, 1-based): chr3:101,243,609, T>G on the plus strand (A>C on the coding strand, the complement: IMPG2 is on the minus strand). VCF-style: chr3-101243609-T-G. GRCh37 (hg19) VCF-style: chr3-100962453-T-G.
Other names: short protein forms T908P.
Identifiers: ClinVar variation 4767841 (VCV004767841.1).